The following is an entry in ClinVar:

NM_030665.4(RAI1):c.1087C>T (p.Leu363=)

Gene: RAI1 (retinoic acid induced 1; plus strand). Cytogenetic location: 17p11.2.
Variant type: single nucleotide variant.
Coding change: c.1087C>T on transcript NM_030665.4 (MANE Select); coding-DNA position 1087, C replaced by T.
Protein change: p.Leu363=; no amino-acid change (leucine 363 retained).
Molecular consequence: synonymous variant.
Genome position (GRCh38, 1-based): chr17:17,794,035, C>T. VCF-style: chr17-17794035-C-T. GRCh37 (hg19) VCF-style: chr17-17697349-C-T.
Identifiers: ClinVar variation 3345144 (VCV003345144.1).
Genomic context (GRCh38, chr17:17,794,035, plus strand): 5'-AGCCACTCACCCGCCCGCTCCGTGGGCCGCTCACCTTCCTACAGTTCCACACCGTCGCCG[C>T]TGATGCCAAACCTGGAGAACTTTCCCTACAGCCAGCAGCCGCTCAGCACCGGGGCCTTCC-3'
Protein context (NP_109590.3, residues 353-373): SPSYSSTPSP[Leu363=]MPNLENFPYS

ClinVar aggregate classification (germline): Likely benign (0 of 4 stars; one submission).

Conditions:
RAI1-related disorder. Also called: RAI1-related condition.

gnomAD v4.1: 1 of 1,614,002 alleles (0.000062%); highest among the groups gnomAD compares: Non-Finnish European, 0.000085%; no homozygotes.

Submission:

PreventionGenetics, part of Exact Sciences
Classification: Likely benign for RAI1-related condition. Last evaluated: 2024-08-29. Review status: no assertion criteria provided. Collection method: clinical testing. Allele origin: germline.
Comment: This variant is classified as likely benign based on ACMG/AMP sequence variant interpretation guidelines (Richards et al. 2015 PMID: 25741868, with internal and published modifications).